The following is an entry in ClinVar:

NM_000310.4(PPT1):c.558G>A (p.Trp186Ter)

Gene: PPT1 (palmitoyl-protein thioesterase 1; minus strand). Cytogenetic location: 1p34.2.
Variant type: single nucleotide variant.
Coding change: c.558G>A on transcript NM_000310.4 (MANE Select); coding-DNA position 558, G replaced by A.
Protein change: p.Trp186Ter; replaces tryptophan 186 with a stop codon.
Molecular consequence: nonsense.
Genome position (GRCh38, 1-based): chr1:40,080,466, C>T on the plus strand (G>A on the coding strand, the complement: PPT1 is on the minus strand). VCF-style: chr1-40080466-C-T. GRCh37 (hg19) VCF-style: chr1-40546138-C-T.
Other names: c.249G>A, p.Trp83Ter (NM_001142604.2); c.558G>A, p.Trp186Ter (NM_001363695.2); short protein forms W186*, W83*.
Identifiers: ClinVar variation 56205 (VCV000056205.2), dbSNP rs386833656, ClinGen allele CA263529.

ClinVar aggregate classification (germline): Likely pathogenic (0 of 4 stars; one submission).

Conditions:
Neuronal ceroid lipofuscinosis 1 (CLN1). Also called: CEROID LIPOFUSCINOSIS, NEURONAL, 1, VARIABLE AGE AT ONSET; PPT1-Related Neuronal Ceroid-Lipofuscinosis. Identifiers: Orphanet 228329, MedGen C1850451, MONDO:0009744, OMIM 256730.

Allele frequency attached by ClinVar (database versions not stated): gnomAD exomes below 0.00001; ExAC 0.00001.
gnomAD v4.1: 2 of 1,613,880 alleles (0.00012%); highest among the groups gnomAD compares: South Asian, 0.0022%; no homozygotes.

Submission:

Juha Muilu Group; Institute for Molecular Medicine Finland (FIMM)
Classification: Likely pathogenic for Ceroid lipofuscinosis neuronal 1. Review status: no assertion criteria provided. Collection method: not provided. Allele origin: unknown.
Comment: FinDis database variant: This variant was not found or characterized by our laboratory, data were collected from public sources: see reference
ClinVar note: Converted during submission from probable-pathogenic to Likely pathogenic.